The following is an entry in ClinVar:

ClinVar aggregate classification (germline): Likely benign. Review status: criteria provided, multiple submitters, no conflicts (2 of 4 stars). 2 submissions from 2 submitters: Likely benign (2). Last evaluated 2026-07-01.

Conditions:
Primary ciliary dyskinesia. Also called: Ciliary dyskinesia. Identifiers: Orphanet 244, MedGen C0008780, MONDO:0016575, HP:0012265.

Allele frequency attached by ClinVar (database versions not stated): gnomAD exomes 0.00001; ExAC 0.00002; 1000 Genomes Project 30x 0.00016; 1000 Genomes Project 0.00020.
gnomAD v4.1: 8 of 1,614,126 alleles (0.0005%); highest among the groups gnomAD compares: Admixed American, 0.012%; no homozygotes.

Submissions (2):

CeGaT Center for Human Genetics Tuebingen
Classification: Likely benign. Last evaluated: 2026-07-01. Review status: criteria provided, single submitter. Criteria: CeGaT Center For Human Genetics Tuebingen Variant Classification Criteria Version 2. Collection method: clinical testing. Allele origin: germline. Affected: yes. Observed: 1 variant allele.
Comment: DNAH5: BP4, BP7

Labcorp Genetics (formerly Invitae), Labcorp
Classification: Likely benign for Primary ciliary dyskinesia. Last evaluated: 2026-02-02. Review status: criteria provided, single submitter. Criteria: Invitae Variant Classification Sherloc (09022015). Collection method: clinical testing. Allele origin: germline.

NM_001369.3(DNAH5):c.384G>C (p.Val128=)

Gene: DNAH5 (dynein axonemal heavy chain 5; minus strand). Cytogenetic location: 5p15.2.
Variant type: single nucleotide variant.
Coding change: c.384G>C on transcript NM_001369.3 (MANE Select); coding-DNA position 384, G replaced by C.
Protein change: p.Val128=; no amino-acid change (valine 128 retained).
Molecular consequence: synonymous variant.
Genome position (GRCh38, 1-based): chr5:13,923,334, C>G on the plus strand (G>C on the coding strand, the complement: DNAH5 is on the minus strand). VCF-style: chr5-13923334-C-G. GRCh37 (hg19) VCF-style: chr5-13923443-C-G.
Identifiers: ClinVar variation 1945672 (VCV001945672.6), dbSNP rs201109037, ClinGen allele CA3205196.